The following is an entry in ClinVar:

NM_001304360.2(CFAP74):c.2317G>C (p.Val773Leu)

Gene: CFAP74 (cilia and flagella associated protein 74; minus strand). Cytogenetic location: 1p36.33.
Variant type: single nucleotide variant.
Coding change: c.2317G>C on transcript NM_001304360.2 (MANE Select); coding-DNA position 2317, G replaced by C.
Protein change: p.Val773Leu; replaces valine 773 with leucine.
Molecular consequence: missense variant.
Genome position (GRCh38, 1-based): chr1:1,946,364, C>G on the plus strand (G>C on the coding strand, the complement: CFAP74 is on the minus strand). VCF-style: chr1-1946364-C-G. GRCh37 (hg19) VCF-style: chr1-1877803-C-G.
Other names: short protein forms V773L.
Identifiers: ClinVar variation 4988288 (VCV004988288.1).

ClinVar aggregate classification (germline): Uncertain significance (1 of 4 stars; one submission).

Conditions:
CFAP74-related disorder. Also called: CFAP74-related condition.

gnomAD v4.1: 5 of 1,536,776 alleles (0.00033%); highest among the groups gnomAD compares: African/African-American, 0.0068%; no homozygotes.

Submission:

PreventionGenetics, part of Exact Sciences
Classification: Uncertain significance for CFAP74-related condition. Last evaluated: 2025-01-24. Review status: criteria provided, single submitter. Criteria: ACMG Guidelines, 2015. Collection method: clinical testing. Allele origin: germline.
Comment: The CFAP74 c.2317G>C variant is predicted to result in the amino acid substitution p.Val773Leu. To our knowledge, this variant has not been reported in the literature. This variant is reported in 0.012% of alleles in individuals of African descent in gnomAD. At this time, the clinical significance of this variant is uncertain due to the absence of conclusive functional and genetic evidence.